The following is an entry in ClinVar:

NM_016111.4(TELO2):c.1100G>T (p.Cys367Phe)

Gene: TELO2 (telomere maintenance 2; plus strand). Cytogenetic location: 16p13.3.
Variant type: single nucleotide variant.
Coding change: c.1100G>T on transcript NM_016111.4 (MANE Select); coding-DNA position 1100, G replaced by T.
Protein change: p.Cys367Phe; replaces cysteine 367 with phenylalanine.
Molecular consequence: missense variant.
Genome position (GRCh38, 1-based): chr16:1,500,444, G>T. VCF-style: chr16-1500444-G-T. GRCh37 (hg19) VCF-style: chr16-1550445-G-T.
Other names: c.1100G>T, p.Cys367Phe (NM_001351846.2); short protein forms C367F.
Identifiers: ClinVar variation 236225 (VCV000236225.29), dbSNP rs202020308, ClinGen allele CA7811938.

ClinVar aggregate classification (germline): Pathogenic/Likely pathogenic. Review status: criteria provided, multiple submitters, no conflicts (2 of 4 stars). 14 submissions from 14 submitters: Pathogenic (5); Likely pathogenic (5). 4 of the submissions do not count toward it. Last evaluated 2026-08-06.

Conditions:
TELO2-related disorder. Also called: TELO2-related condition.
TELO2-related intellectual disability-neurodevelopmental disorder. Also called: You-Hoover-Fong syndrome. Identifiers: Orphanet 488642, MedGen C4310778, MONDO:0014848, OMIM 616954.

Allele frequency attached by ClinVar (database versions not stated): gnomAD 0.00016 and 0.00017; TOPMed 0.00016; gnomAD exomes 0.00018 and 0.00019; ExAC 0.00020; 1000 Genomes Project 0.00040; 1000 Genomes Project 30x 0.00047.
gnomAD v4.1: 291 of 1,609,910 alleles (0.018%); highest among the groups gnomAD compares: Admixed American, 0.052%; no homozygotes.

Submissions (14):

OLLIN Analises Genomicas, OLLIN
Classification: Likely pathogenic for TELO2-related intellectual disability-neurodevelopmental disorder. Last evaluated: 2026-08-06. Review status: criteria provided, single submitter. Criteria: ACMG Guidelines 2015 PMID 25741868. Collection method: clinical testing. Allele origin: germline. Inheritance: Autosomal recessive inheritance.
Comment: This missense variant, located in exon 8 (of 21), has been reported in ClinVar (accession VCV000236225.28) and in gnomAD with an allele frequency of 0.018%. However, to our knowledge, it has not been reported in the scientific literature. In silico analysis is inconclusive regarding the impact of this variant; however, functional studies suggest that it may affect protein function. According to the currently available evidence, this variant has been classified as likely pathogenic (PS3_S, PS4_M, PM2_P, PM3_S, PP1).

Labcorp Genetics (formerly Invitae), Labcorp
Classification: Pathogenic. Last evaluated: 2026-01-05. Review status: criteria provided, single submitter. Criteria: Invitae Variant Classification Sherloc (09022015). Collection method: clinical testing. Allele origin: germline.
Comment: This sequence change replaces cysteine, which is neutral and slightly polar, with phenylalanine, which is neutral and non-polar, at codon 367 of the TELO2 protein (p.Cys367Phe). This variant is present in population databases (rs202020308, gnomAD 0.06%). This missense change has been observed in individuals with You-Hoover-Fong syndrome (PMID: 27132593, 32940098). It has also been observed to segregate with disease in related individuals. ClinVar contains an entry for this variant (Variation ID: 236225). Invitae Evidence Modeling of protein sequence and biophysical properties (such as structural, functional, and spatial information, amino acid conservation, physicochemical variation, residue mobility, and thermodynamic stability) indicates that this missense variant is expected to disrupt TELO2 protein function with a positive predictive value of 95%. For these reasons, this variant has been classified as Pathogenic.

Revvity Omics, Revvity
Classification: Likely pathogenic for TELO2-related intellectual disability-neurodevelopmental disorder. Last evaluated: 2024-09-18. Review status: criteria provided, single submitter. Criteria: ACMG Guidelines, 2015. Collection method: clinical testing. Allele origin: germline.

Women's Health and Genetics/Laboratory Corporation of America, LabCorp
Classification: Pathogenic for TELO2-related intellectual disability-neurodevelopmental disorder. Last evaluated: 2024-03-28. Review status: criteria provided, single submitter. Criteria: LabCorp Variant Classification Summary - May 2015. Collection method: clinical testing. Allele origin: germline.
Comment: Variant summary: TELO2 c.1100G>T (p.Cys367Phe) results in a non-conservative amino acid change in the encoded protein sequence. Four of five in-silico tools predict a damaging effect of the variant on protein function. The variant allele was found at a frequency of 0.00018 in 237468 control chromosomes. This frequency is not significantly higher than estimated for a pathogenic variant in TELO2 causing TELO2-Related Intellectual Disability-Neurodevelopmental Disorder, allowing no conclusion about variant significance. c.1100G>T has been reported in the literature in multiple compound heterozygous individuals affected with TELO2-Related Intellectual Disability-Neurodevelopmental Disorder (e.g., You_2016, Del-Prado-Sanchez_2020, Albokhari_2023). These data indicate that the variant is very likely to be associated with disease. To our knowledge, no experimental evidence demonstrating an impact on protein function has been reported. The following publications have been ascertained in the context of this evaluation (PMID: 36797513, 32940098, 27132593). ClinVar contains an entry for this variant (Variation ID: 236225). Based on the evidence outlined above, the variant was classified as pathogenic.

Victorian Clinical Genetics Services, Murdoch Childrens Research Institute
Classification: Pathogenic for TELO2-related intellectual disability-neurodevelopmental disorder. Last evaluated: 2023-07-16. Review status: criteria provided, single submitter. Criteria: ACMG Guidelines, 2015. Collection method: clinical testing. Allele origin: germline. Inheritance: Autosomal recessive inheritance. Affected: yes.
Comment: Based on the classification scheme VCGS_Germline_v1.3.4, this variant is classified as Pathogenic. Following criteria are met: 0102 - Loss of function is a known mechanism of disease in this gene and is associated with You-Hoover-Fong syndrome (MIM#616954). (I) 0106 - This gene is associated with autosomal recessive disease. (I) 0200 - Variant is predicted to result in a missense amino acid change from cysteine to phenylalanine. (I) 0251 - This variant is heterozygous. (I) 0304 - Variant is present in gnomAD (v2) <0.01 for a recessive condition (43 heterozygotes, 0 homozygotes). (SP) 0501 - Missense variant consistently predicted to be damaging by multiple in silico tools or highly conserved with a major amino acid change. (SP) 0604 - Variant is not located in an established domain, motif, hotspot or informative constraint region. (I) 0705 - No comparable missense variants have previous evidence for pathogenicity. (I) 0801 - This variant has strong previous evidence of pathogenicity in unrelated individuals. This variant has been classified as likely pathogenic, pathogenic and as a VUS by clinical laboratories in ClinVar. This variant has also been reported as compound heterozygous with other missense variants in two unrelated families with You-Hoover-Fong syndrome and an individual with moderate global developmental delay, microcephaly and other clinical features (DECIPHER, PMID: 27132593). (SP) 0903 - This variant has limited evidence for segregation with disease. It segregated with a syndromic intellectual disability disorder in a family with three affected children who were compound heterozygotes (PMID: 27132593). (SP) 1001 - This variant has strong functional evidence supporting abnormal protein function. Functional analysis using cultured fibroblasts of two unrelated patients showed a reduced amount of TELO2 protein and its partner proteins in the TTT complex (PMID: 27132593). (I) Legend: (SP) - Supporting pathogenic, (I) - Information, (SB) - Supporting benign

Department of Pathology and Laboratory Medicine, Sinai Health System
Classification: Pathogenic for TELO2-related intellectual disability-neurodevelopmental disorder. Last evaluated: 2023-05-26. Review status: criteria provided, single submitter. Criteria: ACMG Guidelines, 2015. Collection method: research. Allele origin: germline.

Dasa
Classification: Likely pathogenic for TELO2-related intellectual disability-neurodevelopmental disorder. Last evaluated: 2022-02-05. Review status: criteria provided, single submitter. Criteria: ACMG Guidelines, 2015. Collection method: clinical testing. Allele origin: germline. Affected: yes. Observed: 1 variant allele.
Comment: The c.1100G>T;p.(Cys367Phe) missense variant has been observed in affected individual(s) and ClinVar contains an entry for this variant (ClinVar ID: 236225; PMID: 27132593) - PS4_moderate. Well-established in vitro or in vivo functional studies supportive of a damaging effect on the gene or gene product (PMID: 27132593) - PS3_supporting. The variant is present at low allele frequencies population databases (rs202020308 – gnomAD 0.001708%; ABraOM no frequency) - PM2_supporting. The p.(Cys367Phe) was detected in trans with a pathogenic variant (PMID: 27132593) - PM3. The variant co-segregated with disease in multiple affected family members (PMID: 27132593) - PP1. In summary, the currently available evidence indicates that the variant is likely pathogenic.

Fulgent Genetics
Classification: Likely pathogenic for TELO2-related intellectual disability-neurodevelopmental disorder. Last evaluated: 2018-10-31. Review status: criteria provided, single submitter. Criteria: ACMG Guidelines, 2015. Collection method: clinical testing. Allele origin: unknown.

Baylor-Hopkins Center for Mendelian Genomics, Johns Hopkins University School of Medicine
Classification: Pathogenic for TELO2-related intellectual disability-neurodevelopmental disorder. Review status: criteria provided, single submitter. Criteria: Submitter's publication. Collection method: research. Allele origin: germline. Affected: yes. Observed: 4 variant alleles, 4 compound heterozygotes.

UNC Molecular Genetics  Laboratory, University of North Carolina at Chapel Hill
Classification: Likely pathogenic for You-Hoover-Fong syndrome. Review status: criteria provided, single submitter. Criteria: ACMG Guidelines, 2015. Collection method: research. Allele origin: germline. Observed: 1 variant allele. Study: CSER_NCGENES_2.
Comment: The TELO2 c.1100G>T likely pathogenic missense variant changes a single amino acid in the protein coding region from a cysteine to a phenylalanine. This variant has been reported to segregate with You-Hoover-Fong syndrome in two families and alters an amino acid conserved in vertebrates located within the TTI1 binding domain (PMID: 27132593).

Molecular Genetics Laboratory, BC Children's and BC Women's Hospitals
Classification: Likely pathogenic for TELO2-related intellectual disability-neurodevelopmental disorder. Last evaluated: 2025-06-03. Review status: no assertion criteria provided. Criteria: ACMG Guidelines, 2015. Collection method: clinical testing. Allele origin: unknown. Affected: yes. Not counted in ClinVar's aggregate classification.

PreventionGenetics, part of Exact Sciences
Classification: Likely pathogenic for TELO2-related condition. Last evaluated: 2024-04-29. Review status: no assertion criteria provided. Collection method: clinical testing. Allele origin: germline. Not counted in ClinVar's aggregate classification.
Comment: The TELO2 c.1100G>T variant is predicted to result in the amino acid substitution p.Cys367Phe. This variant was reported in an individual with You-Hoover-Fong syndrome (You et al 2016. PubMed ID: 27132593). This variant is reported in 0.052% of alleles in individuals of Latino descent in gnomAD. This variant is interpreted as likely pathogenic.

OMIM
Classification: Pathogenic for YOU-HOOVER-FONG SYNDROME. Last evaluated: 2019-09-10. Review status: no assertion criteria provided. Collection method: literature only. Allele origin: germline. Not counted in ClinVar's aggregate classification.

Laboratory for Molecular Medicine, Mass General Brigham Personalized Medicine
Classification: Uncertain significance. Last evaluated: 2018-04-12. Review status: flagged submission. Criteria: LMM Criteria. Collection method: clinical testing. Allele origin: germline. Observed: 1 variant allele. Not counted in ClinVar's aggregate classification.
Comment: Variant classified as Uncertain Significance - Favor Pathogenic. The p.Cys367Phe variant in TELO2 has been reported in the 2 individuals with intellectual disab ility and segregated in 2 affected family members from one family (You 2016). Al l of these individuals were compound heterozygous. This variant has also been re ported in ClinVar (Variation ID: 236225). This variant has been identified in 0. 06% (19/33748) of Latino chromosomes by the Genome Aggregation Database (gnomAD; dbSNP rs202020308). Although this variant has been seen in the general population, its frequency is low enough to be consiste nt with a recessive carrier frequency. Computational prediction tools and conser vation analysis suggest that the p.Cys367Phe variant may impact the protein, tho ugh this information is not predictive enough to determine pathogenicity. Functi onal studies provide some evidence that the p.Cys367Phe variant may impact prote in function (You 2016). However, these types of assays may not accurately repres ent biological function. In summary, while there is some suspicion for a pathoge nic role, the clinical significance of the p.Cys367Phe variant is uncertain. ACM G/AMP Criteria applied: PP1; PP3; PS3_Supporting, PM1_Supporting, PM3_Supporting
ClinVar note: Reason: Outlier claim with insufficient supporting evidence

Literature cited by the submitters: PubMed 27132593 (cited by 7 submitters); PubMed 32940098 (cited by Labcorp Genetics (formerly Invitae), Labcorp and Women's Health and Genetics/Laboratory Corporation of America, LabCorp); PubMed 36797513 (cited by Women's Health and Genetics/Laboratory Corporation of America, LabCorp).